The following is an entry in ClinVar:

ClinVar aggregate classification (germline): Conflicting classifications of pathogenicity. Review status: criteria provided, conflicting classifications (1 of 4 stars). 3 submissions from 3 submitters: Uncertain significance (1); Likely benign (2). Last evaluated 2025-06-29.

Conditions:
Hereditary cancer-predisposing syndrome. Also called: Tumor predisposition; Hereditary Cancer Syndrome; Hereditary neoplastic syndrome; Neoplastic Syndromes, Hereditary. Identifiers: Orphanet 140162, MedGen C0027672, MeSH D009386, MONDO:0015356.
Tuberous sclerosis syndrome (TSC). Also called: Tuberous Sclerosis Complex; Tuberous sclerosis. Identifiers: Orphanet 805, MedGen C0041341, MONDO:0001734.
Tuberous sclerosis 2 (TSC2). Identifiers: Orphanet 805, MedGen C1860707, MONDO:0013199, OMIM 613254.

gnomAD v4.1: 1 of 1,612,490 alleles (0.000062%); highest among the groups gnomAD compares: South Asian, 0.0011%; no homozygotes.

Submissions (3):

Color Diagnostics, LLC DBA Color Health
Classification: Uncertain significance for Tuberous sclerosis syndrome. Last evaluated: 2025-06-29. Review status: criteria provided, single submitter. Criteria: ACMG Guidelines, 2015. Collection method: clinical testing. Allele origin: germline.
Comment: This variant is located in the TSC2 protein. To our knowledge, functional studies have not been reported for this variant. This variant has not been reported in individuals affected with TSC2-related disorders in the literature. This variant has not been identified in the general population by the Genome Aggregation Database (gnomAD). The available evidence is insufficient to determine the role of this variant in disease conclusively. Therefore, this variant is classified as a Variant of Uncertain Significance.

Labcorp Genetics (formerly Invitae), Labcorp
Classification: Likely benign for Tuberous sclerosis 2. Last evaluated: 2024-09-08. Review status: criteria provided, single submitter. Criteria: Invitae Variant Classification Sherloc (09022015). Collection method: clinical testing. Allele origin: germline.

Ambry Genetics
Classification: Likely benign for Hereditary cancer-predisposing syndrome. Last evaluated: 2021-01-14. Review status: criteria provided, single submitter. Criteria: Ambry Variant Classification Scheme 2023. Collection method: clinical testing. Allele origin: germline.

NM_000548.5(TSC2):c.3834G>C (p.Leu1278=)

Gene: TSC2 (TSC complex subunit 2; plus strand). Cytogenetic location: 16p13.3.
Variant type: single nucleotide variant.
Coding change: c.3834G>C on transcript NM_000548.5 (MANE Select); coding-DNA position 3834, G replaced by C.
Protein change: p.Leu1278=; no amino-acid change (leucine 1278 retained).
Molecular consequence: synonymous variant. On other transcripts: intron variant (6).
Genome position (GRCh38, 1-based): chr16:2,082,455, G>C. VCF-style: chr16-2082455-G-C. GRCh37 (hg19) VCF-style: chr16-2132456-G-C.
Other names: c.3102G>C, p.Leu1034= (NM_001318831.2); c.3702G>C, p.Leu1234= (NM_001370404.1); c.3705G>C, p.Leu1235= (NM_001370405.1, NM_021055.3); c.3814+657G>C (NM_001114382.3); c.3685+657G>C (NM_001363528.2); c.3682+657G>C (NM_001077183.3); c.3574+657G>C (NM_001318827.2); c.3538+657G>C (NM_001318829.2); and 1 more.
Identifiers: ClinVar variation 238027 (VCV000238027.13), dbSNP rs766029525, ClinGen allele CA10583324.